The following is an entry in ClinVar:

NM_207122.2(EXT2):c.1463T>C (p.Val488Ala)

Genes: EXT2 (exostosin glycosyltransferase 2; plus strand), LOC126861201 (MED14-independent group 3 enhancer GRCh37_chr11:44218806-44220005; plus strand). Cytogenetic location: 11p11.2.
Variant type: single nucleotide variant.
Coding change: c.1463T>C on transcript NM_207122.2 (MANE Select); coding-DNA position 1463, T replaced by C.
Protein change: p.Val488Ala; replaces valine 488 with alanine.
Molecular consequence: missense variant.
Genome position (GRCh38, 1-based): chr11:44,197,986, T>C. VCF-style: chr11-44197986-T-C. GRCh37 (hg19) VCF-style: chr11-44219536-T-C.
Other names: c.1562T>C, p.Val521Ala (NM_000401.3); c.1493T>C, p.Val498Ala (NM_001178083.3); c.1463T>C, p.Val488Ala (NM_001389628.1, NM_001389630.1); short protein forms V521A, V488A, V498A.
Identifiers: ClinVar variation 5002965 (VCV005002965.1).
Genomic context (GRCh38, chr11:44,197,986, plus strand): 5'-GCCTCTTCCGGGTCATCACTGAAGTGTCCAAGGTGCCCAGTCTATCCAAACTACTTGTCG[T>C]CTGGAATAATCAGAATAAAAACCCTCCAGAAGGTAAGAAGCCTTAGTGCCTCTCTCAGCT-3'
Protein context (NP_997005.1, residues 478-498): KVPSLSKLLV[Val488Ala]WNNQNKNPPE

ClinVar aggregate classification (germline): Uncertain significance (1 of 4 stars; one submission).

Submission:

OLLIN Analises Genomicas, OLLIN
Classification: Uncertain significance. Last evaluated: 2026-08-06. Review status: criteria provided, single submitter. Criteria: ACMG Guidelines 2015 PMID 25741868. Collection method: clinical testing. Allele origin: germline.
Comment: This missense variant, located in exon 9 (of 14), is absent from gnomAD and ClinVar and has not been identified in the literature. In silico analysis predicts that this variant has a deleterious effect. According to the currently available evidence, this variant has been classified as uncertain significance (PM2_P, PP3_M).